The following is an entry in ClinVar:

NM_020937.4(FANCM):c.4779+1del

Gene: FANCM (FA complementation group M; plus strand). Cytogenetic location: 14q21.2.
Variant type: Deletion.
Coding change: c.4779+1del on transcript NM_020937.4 (MANE Select); the canonical splice donor site of the intron after coding-DNA position 4779, one base deleted (G; older notation c.4779+1delG).
Molecular consequence: splice donor variant.
Genome position (GRCh38, 1-based): chr14:45,187,888, G deleted; the last of 2 consecutive G bases (chr14:45,187,887-45,187,888); deleting either gives the same sequence. VCF-style (leftmost placement, unchanged base first): chr14-45187886-AG-A. GRCh37 (hg19) VCF-style: chr14-45657089-AG-A.
Other names: c.4701+1del (NM_001308133.2).
Identifiers: ClinVar variation 1070284 (VCV001070284.7), dbSNP rs764534989, ClinGen allele CA7169849.

ClinVar aggregate classification (germline): Pathogenic/Likely pathogenic. Review status: criteria provided, multiple submitters, no conflicts (2 of 4 stars). 2 submissions from 2 submitters: Pathogenic (1); Likely pathogenic (1). Last evaluated 2025-09-24.

Conditions:
Spermatogenic failure 28. Identifiers: MedGen C4748117, MONDO:0054732, OMIM 618086.
Premature ovarian failure 15. Identifiers: MedGen C4748170, MONDO:0054862, OMIM 618096.
Fanconi anemia (FA). Also called: Fanconi's anemia. Identifiers: Orphanet 84, MedGen C0015625, MeSH D005199, MONDO:0019391.

Submissions (2):

First Genomix Gene Laboratory, Genetic Diagnostics Department
Classification: Likely pathogenic for Premature ovarian failure 15; Spermatogenic failure 28. Last evaluated: 2025-09-24. Review status: criteria provided, single submitter. Criteria: ACMG Guidelines, 2015. Collection method: clinical testing. Allele origin: germline. Inheritance: Autosomal recessive inheritance. Affected: no. Observed: 1 variant allele.

Labcorp Genetics (formerly Invitae), Labcorp
Classification: Pathogenic for Fanconi anemia. Last evaluated: 2025-07-31. Review status: criteria provided, single submitter. Criteria: Invitae Variant Classification Sherloc (09022015). Collection method: clinical testing. Allele origin: germline.
Comment: This sequence change creates a premature translational stop signal (p.Ile1594Phefs*9) in the FANCM gene. It is expected to result in an absent or disrupted protein product. Loss-of-function variants in FANCM are known to be pathogenic (PMID: 29895858, 30075111). This variant is present in population databases (rs764534989, gnomAD 0.02%). This variant has not been reported in the literature in individuals affected with FANCM-related conditions. This variant is also known as c.4779+1del. ClinVar contains an entry for this variant (Variation ID: 1070284). Algorithms developed to predict the effect of sequence changes on RNA splicing suggest that this variant may disrupt the consensus splice site. For these reasons, this variant has been classified as Pathogenic.

Literature cited by the submitters: PubMed 29895858 (cited by Labcorp Genetics (formerly Invitae), Labcorp); PubMed 30075111 (cited by Labcorp Genetics (formerly Invitae), Labcorp).